The following is an entry in ClinVar:

ClinVar aggregate classification (germline): Uncertain significance (1 of 4 stars; one submission).

Conditions:
Adams-Oliver syndrome 5 (AOS5). Identifiers: Orphanet 974, MedGen C4014970, MONDO:0014459, OMIM 616028.

Submission:

Labcorp Genetics (formerly Invitae), Labcorp
Classification: Uncertain significance for Adams-Oliver syndrome 5. Last evaluated: 2025-02-20. Review status: criteria provided, single submitter. Criteria: Invitae Variant Classification Sherloc (09022015). Collection method: clinical testing. Allele origin: germline.
Comment: This sequence change replaces glutamine, which is neutral and polar, with leucine, which is neutral and non-polar, at codon 1134 of the NOTCH1 protein (p.Gln1134Leu). Information on the frequency of this variant in the gnomAD database is not available, as this variant may be reported differently in the database. This variant has not been reported in the literature in individuals affected with NOTCH1-related conditions. ClinVar contains an entry for this variant (Variation ID: 2198194). An algorithm developed to predict the effect of missense changes on protein structure and function (PolyPhen-2) suggests that this variant is likely to be disruptive. In summary, the available evidence is currently insufficient to determine the role of this variant in disease. Therefore, it has been classified as a Variant of Uncertain Significance.

NM_017617.5(NOTCH1):c.3401_3402delinsTT (p.Gln1134Leu)

Gene: NOTCH1 (notch receptor 1; minus strand). Cytogenetic location: 9q34.3.
Variant type: Indel.
Coding change: c.3401_3402delinsTT on transcript NM_017617.5 (MANE Select); coding-DNA positions 3401 to 3402, AG replaced by TT.
Protein change: p.Gln1134Leu; replaces glutamine 1134 with leucine.
Molecular consequence: missense variant.
Genome position (GRCh38, 1-based): chr9:136,508,063-136,508,064, CT replaced by AA on the plus strand (AG replaced by TT on the coding strand, the reverse complement: NOTCH1 is on the minus strand). VCF-style: chr9-136508063-CT-AA. GRCh37 (hg19) VCF-style: chr9-139402515-CT-AA.
Other names: short protein forms Q1134L.
Identifiers: ClinVar variation 2198194 (VCV002198194.4), dbSNP rs2540442398, ClinGen allele CA2580080928.